The following is an entry in ClinVar:

ClinVar aggregate classification (germline): Pathogenic/Likely pathogenic. Review status: criteria provided, multiple submitters, no conflicts (2 of 4 stars). 6 submissions from 5 submitters: Pathogenic (2); Likely pathogenic (4). Last evaluated 2026-01-11.

Conditions:
Citrullinemia, type II, adult-onset (CDAA). Also called: CITRIN DEFICIENCY, ADOLESCENT OR ADULT ONSET. Identifiers: Orphanet 247585, MedGen CN295299, MONDO:0011326, OMIM 603471.
Citrullinemia. Identifiers: Orphanet 187, MedGen C0175683, MONDO:0015991.
Citrullinemia type II. Also called: Citrullinemia Type II (CTLN2). Identifiers: Orphanet 247585, MedGen C1863844, MONDO:0016603.
Neonatal intrahepatic cholestasis due to citrin deficiency (CDNI). Also called: CITRIN DEFICIENCY, NEONATAL OR INFANTILE ONSET; Neonatal-onset citrullinemia type II; Neonatal-onset citrullinemia type 2; Neonatal Intrahepatic Cholestasis Caused by Citrin Deficiency (NICCD). Identifiers: Orphanet 247598, MedGen C1853942, MONDO:0011601, OMIM 605814.
Citrin deficiency. Identifiers: Orphanet 247582, MedGen C1997910, MONDO:0016602.

Allele frequency attached by ClinVar (database versions not stated): ExAC 0.00001; gnomAD exomes 0.00001.
gnomAD v4.1: 3 of 1,613,578 alleles (0.00019%); highest among the groups gnomAD compares: Admixed American, 0.0017%; no homozygotes.

Submissions (6):

Labcorp Genetics (formerly Invitae), Labcorp
Classification: Pathogenic for Citrin deficiency. Last evaluated: 2026-01-11. Review status: criteria provided, single submitter. Criteria: Invitae Variant Classification Sherloc (09022015). Collection method: clinical testing. Allele origin: germline.
Comment: This sequence change replaces valine, which is neutral and non-polar, with methionine, which is neutral and non-polar, at codon 411 of the SLC25A13 protein (p.Val411Met). This variant is present in population databases (rs768922690, gnomAD 0.003%). This missense change has been observed in individual(s) with citrin deficiency (PMID: 21424115, 21979481, 36599957). In at least one individual the data is consistent with being in trans (on the opposite chromosome) from a pathogenic variant. ClinVar contains an entry for this variant (Variation ID: 813455). Invitae Evidence Modeling of protein sequence and biophysical properties (such as structural, functional, and spatial information, amino acid conservation, physicochemical variation, residue mobility, and thermodynamic stability) indicates that this missense variant is not expected to disrupt SLC25A13 protein function with a negative predictive value of 80%. Algorithms developed to predict the effect of sequence changes on RNA splicing suggest that this variant may disrupt the consensus splice site. For these reasons, this variant has been classified as Pathogenic.

Women's Health and Genetics/Laboratory Corporation of America, LabCorp
Classification: Likely pathogenic for Citrullinemia type II. Last evaluated: 2025-12-31. Review status: criteria provided, single submitter. Criteria: LabCorp Variant Classification Summary - May 2015. Collection method: clinical testing. Allele origin: germline.
Comment: Variant summary: SLC25A13 c.1231G>A (p.Val411Met) results in a conservative amino acid change in the encoded protein sequence. Algorithms developed to predict the effect of missense changes on protein structure and function are either unavailable or do not agree on the potential impact of this missense change. The variant affects the first nucleotide of exon 13, therefore might also affect splicing. Several computational tools predict a significant impact on normal splicing: Three predict the variant weakens a 3' acceptor site. One predict the variant no significant impact on splicing. However, these predictions have yet to be confirmed by functional studies. The variant allele was found at a frequency of 8e-06 in 251042 control chromosomes (gnomAD). c.1231G>A has been observed in compound heterozygous individuals affected with Citrullinemia Type II (e.g. Ng_2011, Song_2011, Chen_2022, Nguyen_2023). These data indicate that the variant is likely to be associated with disease. To our knowledge, no experimental evidence demonstrating an impact on protein function has been reported. The following publications have been ascertained in the context of this evaluation (PMID: 21979481, 21424115, 35798653, 36599957, 39419476). ClinVar contains an entry for this variant (Variation ID: 813455). Based on the evidence outlined above, the variant was classified as likely pathogenic.

Natera, Inc.
Classification: Likely pathogenic for Citrullinemia. Last evaluated: 2024-06-27. Review status: criteria provided, single submitter. Criteria: Natera Variant Classification Schema (03/2026). Collection method: clinical testing. Allele origin: germline.
Comment: The c.1231G>A variant in SLC25A13 is a missense variant predicted to cause substitution of valine to methionine at amino acid 411. This variant is rare in the general population with a frequency below the threshold expected for the associated phenotype(s). This variant has been observed in one or more individuals affected with the associated recessive disease, as either homozygous or compound heterozygous with a second variant (PMID: 21979481, 21424115, 35798653, 36599957). Given the available evidence, this variant is classified as Likely Pathogenic.

Baylor Genetics
Classification: Likely pathogenic for Citrullinemia, type II, adult-onset. Last evaluated: 2023-10-30. Review status: criteria provided, single submitter. Criteria: ACMG Guidelines, 2015. Collection method: clinical testing. Allele origin: unknown.

Genesolutions, Medical Genetics Institutes, Ho Chi Minh City, Vietnam
Classification: Pathogenic for Neonatal intrahepatic cholestasis due to citrin deficiency. Last evaluated: 2022-06-30. Review status: criteria provided, single submitter. Criteria: ACMG Guidelines, 2015. Collection method: clinical testing. Allele origin: germline. Affected: yes.

Baylor Genetics
Classification: Likely pathogenic for Neonatal intrahepatic cholestasis due to citrin deficiency. Review status: criteria provided, single submitter. Criteria: ACMG Guidelines, 2015. Collection method: clinical testing. Allele origin: germline.

Literature cited by the submitters: PubMed 21424115 (cited by 3 submitters); PubMed 21979481 (cited by 3 submitters); PubMed 36599957 (cited by 4 submitters); PubMed 35798653 (cited by Women's Health and Genetics/Laboratory Corporation of America, LabCorp and Natera, Inc.); PubMed 39419476 (cited by Women's Health and Genetics/Laboratory Corporation of America, LabCorp).

NM_014251.3(SLC25A13):c.1231G>A (p.Val411Met)

Gene: SLC25A13 (solute carrier family 25 member 13; minus strand). Cytogenetic location: 7q21.3.
Variant type: single nucleotide variant.
Coding change: c.1231G>A on transcript NM_014251.3 (MANE Select); coding-DNA position 1231, G replaced by A.
Protein change: p.Val411Met; replaces valine 411 with methionine.
Molecular consequence: missense variant. On other transcripts: non-coding transcript variant (1).
Genome position (GRCh38, 1-based): chr7:96,170,125, C>T on the plus strand (G>A on the coding strand, the complement: SLC25A13 is on the minus strand). VCF-style: chr7-96170125-C-T. GRCh37 (hg19) VCF-style: chr7-95799437-C-T.
Other names: c.1234G>A, p.Val412Met (NM_001160210.2); short protein forms V411M, V412M.
Identifiers: ClinVar variation 813455 (VCV000813455.34), dbSNP rs768922690, ClinGen allele CA4352983.
Genomic context (GRCh38, chr7:96,170,125, plus strand): 5'-CTGCTGCAAGTGGGACCGAACCATCTTTGTGCATAAATTTATCCCTCACAAAATCGTTCA[C>T]CTTGAAGAAAAATATTTATAGAAGCTGATGAAAAATATAAAGAAAGTCATTAAACACTTA-3'
Protein context (NP_055066.1, residues 401-421): VAPEKAIKLT[Val411Met]NDFVRDKFMH